The following is an entry in ClinVar:

NM_000059.4(BRCA2):c.8605A>C (p.Ile2869Leu)

Gene: BRCA2 (BRCA2 DNA repair associated; plus strand). Cytogenetic location: 13q13.1.
Variant type: single nucleotide variant.
Coding change: c.8605A>C on transcript NM_000059.4 (MANE Select); coding-DNA position 8605, A replaced by C.
Protein change: p.Ile2869Leu; replaces isoleucine 2869 with leucine.
Molecular consequence: missense variant.
Genome position (GRCh38, 1-based): chr13:32,371,073, A>C. VCF-style: chr13-32371073-A-C. GRCh37 (hg19) VCF-style: chr13-32945210-A-C.
Other names: short protein forms I2869L.
Identifiers: ClinVar variation 640353 (VCV000640353.14), dbSNP rs1593931261, ClinGen allele CA387752901.

ClinVar aggregate classification (germline): Conflicting classifications of pathogenicity. Review status: criteria provided, conflicting classifications (1 of 4 stars). 2 submissions from 2 submitters: Uncertain significance (1); Benign (1). Last evaluated 2025-05-19.

Conditions:
Hereditary breast ovarian cancer syndrome. Also called: Hereditary breast and ovarian cancer; Hereditary breast and ovarian cancer syndrome (HBOC); BRCA1- and BRCA2-Associated Hereditary Breast and Ovarian Cancer; Hereditary breast and ovarian cancer syndrome; Hereditary breast and/or ovarian cancer syndrome; Breast and ovarian cancer. Identifiers: Orphanet 145, MedGen C0677776, MeSH D061325, MONDO:0003582. Disease mechanism: loss of function.
Hereditary cancer-predisposing syndrome. Also called: Neoplastic Syndromes, Hereditary; Tumor predisposition; Hereditary Cancer Syndrome; Hereditary neoplastic syndrome. Identifiers: Orphanet 140162, MedGen C0027672, MeSH D009386, MONDO:0015356.

Allele frequency attached by ClinVar (database versions not stated): gnomAD exomes below 0.00001.
gnomAD v4.1: 2 of 1,614,142 alleles (0.00012%); highest among the groups gnomAD compares: Non-Finnish European, 0.00017%; no homozygotes.

Submissions (2):

Ambry Genetics
Classification: Benign for Hereditary cancer-predisposing syndrome. Last evaluated: 2025-05-19. Review status: criteria provided, single submitter. Criteria: Ambry Variant Classification Scheme 2023. Collection method: clinical testing. Allele origin: germline.

Labcorp Genetics (formerly Invitae), Labcorp
Classification: Uncertain significance for Hereditary breast ovarian cancer syndrome. Last evaluated: 2018-09-19. Review status: criteria provided, single submitter. Criteria: Invitae Variant Classification Sherloc (09022015). Collection method: clinical testing. Allele origin: germline.
Comment: This sequence change replaces isoleucine with leucine at codon 2869 of the BRCA2 protein (p.Ile2869Leu). The isoleucine residue is highly conserved and there is a small physicochemical difference between isoleucine and leucine. This variant is not present in population databases (ExAC no frequency). This variant has not been reported in the literature in individuals with BRCA2-related disease. Algorithms developed to predict the effect of missense changes on protein structure and function output the following: SIFT: "Deleterious"; PolyPhen-2: "Possibly Damaging"; Align-GVGD: "Class C0". The leucine amino acid residue is found in multiple mammalian species, suggesting that this missense change does not adversely affect protein function. These predictions have not been confirmed by published functional studies and their clinical significance is uncertain. In summary, the available evidence is currently insufficient to determine the role of this variant in disease. Therefore, it has been classified as a Variant of Uncertain Significance.